The following is an entry in ClinVar:

ClinVar aggregate classification (germline): Uncertain significance (1 of 4 stars; one submission).

Conditions:
Emery-Dreifuss muscular dystrophy 4, autosomal dominant (EDMD4). Also called: EMERY-DREIFUSS MUSCULAR DYSTROPHY 4 WITH VARIABLE FEATURES. Identifiers: Orphanet 261, MedGen C2751807, MONDO:0013071, OMIM 612998.
Autosomal recessive ataxia, Beauce type. Also called: SYNE1 Deficiency; Spinocerebellar ataxia, autosomal recessive 8; ATAXIA, RECESSIVE, OF BEAUCE; SYNE1-Related Autosomal Recessive Cerebellar Ataxia. Identifiers: Orphanet 88644, MedGen C1853116, MONDO:0012549, OMIM 610743.

Allele frequency attached by ClinVar (database versions not stated): TOPMed below 0.00001; ExAC 0.00001; gnomAD exomes 0.00001.
gnomAD v4.1: 15 of 1,613,984 alleles (0.00093%); highest among the groups gnomAD compares: Non-Finnish European, 0.0012%; no homozygotes.

Submission:

Labcorp Genetics (formerly Invitae), Labcorp
Classification: Uncertain significance for Emery-Dreifuss muscular dystrophy 4, autosomal dominant; Autosomal recessive ataxia, Beauce type. Last evaluated: 2022-01-07. Review status: criteria provided, single submitter. Criteria: Invitae Variant Classification Sherloc (09022015). Collection method: clinical testing. Allele origin: germline.
Comment: This variant is present in population databases (rs751437755, gnomAD 0.0009%). In summary, the available evidence is currently insufficient to determine the role of this variant in disease. Therefore, it has been classified as a Variant of Uncertain Significance. Algorithms developed to predict the effect of missense changes on protein structure and function are either unavailable or do not agree on the potential impact of this missense change (SIFT: "Deleterious"; PolyPhen-2: "Probably Damaging"; Align-GVGD: "Class C0"). This variant has not been reported in the literature in individuals affected with SYNE1-related conditions. This sequence change replaces glutamic acid, which is acidic and polar, with lysine, which is basic and polar, at codon 7753 of the SYNE1 protein (p.Glu7753Lys).

NM_182961.4(SYNE1):c.23470G>A (p.Glu7824Lys)

Gene: SYNE1 (spectrin repeat containing nuclear envelope protein 1; minus strand). Cytogenetic location: 6q25.2.
Variant type: single nucleotide variant.
Coding change: c.23470G>A on transcript NM_182961.4 (MANE Select); coding-DNA position 23470, G replaced by A.
Protein change: p.Glu7824Lys; replaces glutamic acid 7824 with lysine.
Molecular consequence: missense variant.
Genome position (GRCh38, 1-based): chr6:152,176,551, C>T on the plus strand (G>A on the coding strand, the complement: SYNE1 is on the minus strand). VCF-style: chr6-152176551-C-T. GRCh37 (hg19) VCF-style: chr6-152497686-C-T.
Other names: c.76G>A, p.Glu26Lys (NM_001347701.2); c.23257G>A, p.Glu7753Lys (NM_033071.5); short protein forms E7824K, E7753K, E26K.
Identifiers: ClinVar variation 1957587 (VCV001957587.5), dbSNP rs751437755, ClinGen allele CA4053586.
Genomic context (GRCh38, chr6:152,176,551, plus strand): 5'-CAAGTCGTTCTCCCATTTGTTGGAGCTGTATTTTGTTCTCTTGAGCAATAGCAATTTCCT[C>T]TTGATAATCCTGTGTAATAAATAGCAATCACAGAGGTCAGAAAGCATATTCTTAATACAT-3'
Protein context (NP_892006.3, residues 7814-7834): MIEKLKKDYQ[Glu7824Lys]EIAIAQENKI